The following is an entry in ClinVar:

NM_001011548.1(MAGEA4):c.713C>G (p.Thr238Ser)

Gene: MAGEA4 (MAGE family member A4; plus strand). Cytogenetic location: Xq28.
Variant type: single nucleotide variant.
Coding change: c.713C>G on transcript NM_001011548.1 (MANE Select); coding-DNA position 713, C replaced by G.
Protein change: p.Thr238Ser; replaces threonine 238 with serine.
Molecular consequence: missense variant.
Genome position (GRCh38, 1-based): chrX:151,924,377, C>G. VCF-style: chrX-151924377-C-G. GRCh37 (hg19) VCF-style: chrX-151092849-C-G.
Other names: c.713C>G, p.Thr238Ser (NM_001011549.1, NM_001011550.1, NM_001386196.1 and 8 more transcripts); short protein forms T238S.
Identifiers: ClinVar variation 2394191 (VCV002394191.26), dbSNP rs139539716, ClinGen allele CA10542247.

ClinVar aggregate classification (germline): Likely benign. Review status: criteria provided, multiple submitters, no conflicts (2 of 4 stars). 2 submissions from 2 submitters: Likely benign (2). Last evaluated 2023-02-01.

Allele frequency attached by ClinVar (database versions not stated): gnomAD exomes 0.00004; ExAC 0.00015; ESP Exome Variant Server 0.00028; TOPMed 0.00033; gnomAD 0.00035.
gnomAD v4.1: 88 of 1,208,697 alleles (0.0073%); highest among the groups gnomAD compares: African/African-American, 0.063%; no homozygotes.

Submissions (2):

CeGaT Center for Human Genetics Tuebingen
Classification: Likely benign. Last evaluated: 2023-02-01. Review status: criteria provided, single submitter. Criteria: CeGaT Center For Human Genetics Tuebingen Variant Classification Criteria Version 2. Collection method: clinical testing. Allele origin: germline. Affected: yes. Observed: 1 variant allele.
Comment: MAGEA4: BP4, BS2

Ambry Genetics
Classification: Likely benign. Last evaluated: 2022-03-16. Review status: criteria provided, single submitter. Criteria: Ambry Variant Classification Scheme 2023. Collection method: clinical testing. Allele origin: germline.